The following is an entry in ClinVar:

NM_002439.5(MSH3):c.1969C>G (p.Pro657Ala)

Gene: MSH3 (mutS homolog 3; plus strand). Cytogenetic location: 5q14.1.
Variant type: single nucleotide variant.
Coding change: c.1969C>G on transcript NM_002439.5 (MANE Select); coding-DNA position 1969, C replaced by G.
Protein change: p.Pro657Ala; replaces proline 657 with alanine.
Molecular consequence: missense variant.
Genome position (GRCh38, 1-based): chr5:80,768,005, C>G. VCF-style: chr5-80768005-C-G. GRCh37 (hg19) VCF-style: chr5-80063824-C-G.
Other names: short protein forms P657A.
Identifiers: ClinVar variation 1783564 (VCV001783564.3), dbSNP rs766652796, ClinGen allele CA360277590.
Genomic context (GRCh38, chr5:80,768,005, plus strand): 5'-GAGTTCTTCTTGATTGTCAAAACTTTATATCACCTAAAGTCAGAATTTCAAGCAATAATA[C>G]CTGCTGTTAATTCCCACATTCAGTCAGACTTGCTCCGGACCGTTATTTTAGAAATTCCTG-3'
Protein context (NP_002430.3, residues 647-667): HLKSEFQAII[Pro657Ala]AVNSHIQSDL

ClinVar aggregate classification (germline): Uncertain significance. Review status: criteria provided, multiple submitters, no conflicts (2 of 4 stars). 2 submissions from 2 submitters: Uncertain significance (2). Last evaluated 2025-08-25.

Conditions:
Hereditary cancer-predisposing syndrome. Also called: Neoplastic Syndromes, Hereditary; Tumor predisposition; Hereditary Cancer Syndrome; Hereditary neoplastic syndrome. Identifiers: Orphanet 140162, MedGen C0027672, MeSH D009386, MONDO:0015356.

Submissions (2):

Labcorp Genetics (formerly Invitae), Labcorp
Classification: Uncertain significance. Last evaluated: 2025-08-25. Review status: criteria provided, single submitter. Criteria: Invitae Variant Classification Sherloc (09022015). Collection method: clinical testing. Allele origin: germline.
Comment: This sequence change replaces proline, which is neutral and non-polar, with alanine, which is neutral and non-polar, at codon 657 of the MSH3 protein (p.Pro657Ala). This variant is not present in population databases (gnomAD no frequency). This variant has not been reported in the literature in individuals affected with MSH3-related conditions. ClinVar contains an entry for this variant (Variation ID: 1783564). An algorithm developed to predict the effect of missense changes on protein structure and function (PolyPhen-2) suggests that this variant is likely to be disruptive. In summary, the available evidence is currently insufficient to determine the role of this variant in disease. Therefore, it has been classified as a Variant of Uncertain Significance.

Ambry Genetics
Classification: Uncertain significance for Hereditary cancer-predisposing syndrome. Last evaluated: 2023-12-02. Review status: criteria provided, single submitter. Criteria: Ambry Variant Classification Scheme 2023. Collection method: clinical testing. Allele origin: germline.
Comment: The p.P657A variant (also known as c.1969C>G), located in coding exon 14 of the MSH3 gene, results from a C to G substitution at nucleotide position 1969. The proline at codon 657 is replaced by alanine, an amino acid with highly similar properties. This amino acid position is highly conserved in available vertebrate species. In addition, the in silico prediction for this alteration is inconclusive. Since supporting evidence is limited at this time, the clinical significance of this alteration remains unclear.